The following is an entry in ClinVar:

ClinVar aggregate classification (germline): Likely pathogenic (1 of 4 stars; one submission).

Conditions:
Holocarboxylase synthetase deficiency. Also called: MULTIPLE CARBOXYLASE DEFICIENCY, EARLY ONSET. Identifiers: Orphanet 79242, MedGen C0268581, MONDO:0009666, OMIM 253270.

Submission:

Myriad Genetics, Inc.
Classification: Likely pathogenic for Holocarboxylase synthetase deficiency. Last evaluated: 2022-02-20. Review status: criteria provided, single submitter. Criteria: Myriad Women's Health Autosomal Recessive and X-Linked Classification Criteria (2021). Collection method: clinical testing. Allele origin: unknown.
Comment: NM_000411.6(HLCS):c.917_918delAC(H306Pfs*4) is expected to be pathogenic in the context of holocarboxylase synthetase deficiency. This variant is predicted to lead to an abnormal or absent protein product due to the creation of a premature termination codon in HLCS, a gene where loss-of-function variants are known to be pathogenic. Please note: this variant was assessed in the context of healthy population screening.

NM_001352514.2(HLCS):c.1358_1359del (p.His453fs)

Gene: HLCS (holocarboxylase synthetase; minus strand). Cytogenetic location: 21q22.13.
Variant type: Deletion.
Coding change: c.1358_1359del on transcript NM_001352514.2 (MANE Select); coding-DNA positions 1358 to 1359, 2 bases deleted (AC; older notation c.1358_1359delAC).
Protein change: p.His453fs; shifts the reading frame from histidine 453.
Molecular consequence: frameshift variant. On other transcripts: non-coding transcript variant (2).
Genome position (GRCh38, 1-based): chr21:36,936,527-36,936,528, GT deleted on the plus strand (AC on the coding strand, the reverse complement: HLCS is on the minus strand); deleting any 2 consecutive bases within chr21:36,936,527-36,936,529 gives the same sequence; the c. name uses the placement nearest the transcript's 3' end. VCF-style (leftmost placement, unchanged base first): chr21-36936526-GGT-G. GRCh37 (hg19) VCF-style: chr21-38308826-GGT-G.
Other names: c.917_918del, p.His306fs (NM_000411.8, NM_001242784.3, NM_001242785.2 and 4 more transcripts); short protein forms H306fs, H453fs.
Identifiers: ClinVar variation 1724578 (VCV001724578.2), dbSNP rs2517575259, ClinGen allele CA2580098661.
Genomic context (GRCh38, chr21:36,936,526, plus strand): 5'-CTCCCCCGCGAGTTCCAAAAGGCACATGCACAATCATCCTGTCCTTGTCCTCATTCTCCA[GGT>G]GGCCCTGGAGCCTGCCGGGGCTGAGCCGGACGGGGCCTTCCTGGTACCTGCAGCCACTGC-3'